The following is an entry in ClinVar:

NM_001024630.4(RUNX2):c.-64T>C

Genes: RUNX2 (RUNX family transcription factor 2; plus strand), SUPT3H (SPT3 homolog, SAGA and STAGA complex component; minus strand). Cytogenetic location: 6p21.1.
Variant type: single nucleotide variant.
Coding change: c.-64T>C on transcript NM_001024630.4 (MANE Select); 64 bases upstream of the start codon, T replaced by C.
Molecular consequence: 5 prime UTR variant. On other transcripts: non-coding transcript variant (2), intron variant (8).
Genome position (GRCh38, 1-based): chr6:45,328,663, T>C. VCF-style: chr6-45328663-T-C. GRCh37 (hg19) VCF-style: chr6-45296400-T-C.
Other names: c.-64T>C (NM_001015051.4); c.-73+36538A>G (NM_001350327.2); c.101+36538A>G (NM_001350325.2, NM_003599.4, NM_001350324.2 and 1 more transcripts); c.-265+36538A>G (NM_001261823.2); c.-51-5696A>G (NM_181356.3, NM_001350326.2).
Identifiers: ClinVar variation 357087 (VCV000357087.5), dbSNP rs750277342, ClinGen allele CA3836165.

ClinVar aggregate classification (germline): Benign (1 of 4 stars; one submission).

Conditions:
Cleidocranial dysostosis (CLCD1). Also called: cleidocranial dysplasia 1; Marie-Sainton disease; Cleidocranial Dysplasia Spectrum Disorder. Identifiers: Orphanet 1452, MedGen C0008928, MONDO:0007340, OMIM 119600.

Allele frequency attached by ClinVar (database versions not stated): ExAC 0.00002; gnomAD exomes 0.00002.
gnomAD v4.1: 12 of 1,611,392 alleles (0.00074%); highest among the groups gnomAD compares: Middle Eastern, 0.017%; no homozygotes.

Submission:

Illumina Laboratory Services, Illumina
Classification: Benign for Cleidocranial dysostosis. Last evaluated: 2018-01-13. Review status: criteria provided, single submitter. Criteria: ICSL Variant Classification Criteria 13 December 2019. Collection method: clinical testing. Allele origin: germline.
Comment: This variant was observed in the ICSL laboratory as part of a predisposition screen in an ostensibly healthy population. It had not been previously curated by ICSL or reported in the Human Gene Mutation Database (HGMD: prior to June 1st, 2018), and was therefore a candidate for classification through an automated scoring system. Utilizing variant allele frequency, disease prevalence and penetrance estimates, and inheritance mode, an automated score was calculated to assess if this variant is too frequent to cause the disease. Based on the score and internal cut-off values, a variant classified as benign is not then subjected to further curation. The score for this variant resulted in a classification of benign for this disease.